The following is an entry in ClinVar:

ClinVar aggregate classification (germline): Uncertain significance (0 of 4 stars; one submission).

Conditions:
TAF15-related disorder. Also called: TAF15-related condition.

Submission:

PreventionGenetics, part of Exact Sciences
Classification: Uncertain significance for TAF15-related condition. Last evaluated: 2024-06-27. Review status: no assertion criteria provided. Collection method: clinical testing. Allele origin: germline.
Comment: The TAF15 c.1368_1415del48 variant is predicted to result in an in-frame deletion (p.Gly470_Gly485del). To our knowledge, this variant has not been reported in the literature. This variant is reported in 0.0075% of alleles in individuals of African descent in gnomAD. At this time, the clinical significance of this variant is uncertain due to the absence of conclusive functional and genetic evidence.

NM_139215.3(TAF15):c.1368_1415del (p.454GYGGDRGG[2])

Gene: TAF15 (TATA-box binding protein associated factor 15; plus strand). Cytogenetic location: 17q12.
Variant type: Deletion.
Coding change: c.1368_1415del on transcript NM_139215.3 (MANE Select); coding-DNA positions 1368 to 1415, 48 bases deleted.
Protein change: p.454GYGGDRGG[2].
Molecular consequence: inframe deletion.
Genome position (GRCh38, 1-based): chr17:35,844,667-35,844,714, 48 bases deleted; deleting any 48 consecutive bases within chr17:35,844,659-35,844,714 gives the same sequence; the c. name uses the placement nearest the transcript's 3' end. GRCh37 (hg19): chr17:34,171,671-34,171,718.
Other names: c.1359_1406del, p.451GYGGDRGG[2] (NM_003487.4).
Identifiers: ClinVar variation 3354598 (VCV003354598.1).